The following is an entry in ClinVar:

ClinVar aggregate classification (germline): Likely benign (0 of 4 stars; one submission).

Conditions:
CFAP57-related disorder. Also called: CFAP57-related condition.

gnomAD v4.1: 218 of 701,646 alleles (0.031%); highest among the groups gnomAD compares: Middle Eastern, 0.092%; 1 homozygote.

Submission:

PreventionGenetics, part of Exact Sciences
Classification: Likely benign for CFAP57-related condition. Last evaluated: 2024-03-09. Review status: no assertion criteria provided. Collection method: clinical testing. Allele origin: germline.
Comment: This variant is classified as likely benign based on ACMG/AMP sequence variant interpretation guidelines (Richards et al. 2015 PMID: 25741868, with internal and published modifications).

NM_001378189.1(CFAP57):c.3010-433A>G

Genes: CFAP57 (cilia and flagella associated protein 57; plus strand), EBNA1BP2 (EBNA1 binding protein 2; minus strand), LOC105378685 (uncharacterized LOC105378685; minus strand). Cytogenetic location: 1p34.2.
Variant type: single nucleotide variant.
Coding change: c.3010-433A>G on transcript NM_001378189.1 (MANE Select); 433 bases into the intron before coding-DNA position 3010, A replaced by G.
Molecular consequence: intron variant. On other transcripts: missense variant (1).
Genome position (GRCh38, 1-based): chr1:43,232,075, A>G. VCF-style: chr1-43232075-A-G. GRCh37 (hg19) VCF-style: chr1-43697746-A-G.
Other names: c.3019A>G, p.Ile1007Val (NM_001195831.3); short protein forms I1007V.
Identifiers: ClinVar variation 3351116 (VCV003351116.1).